The following is an entry in ClinVar:

ClinVar aggregate classification (germline): Uncertain significance. Review status: criteria provided, multiple submitters, no conflicts (2 of 4 stars). 2 submissions from 2 submitters: Uncertain significance (2). Last evaluated 2023-09-01.

Conditions:
Dyskeratosis congenita. Identifiers: Orphanet 1775, MedGen C0265965, MONDO:0015780.
Idiopathic Pulmonary Fibrosis. Also called: Idiopathic fibrosing alveolitis, chronic form; idiopathic fibrosing alveolitis. Identifiers: Orphanet 2032, MedGen C1800706, MeSH D054990, MONDO:0800504.
Dyskeratosis congenita, autosomal dominant 2. Identifiers: MedGen C3151443, MONDO:0013521, OMIM 613989.

Submissions (2):

Ambry Genetics
Classification: Uncertain significance for Dyskeratosis congenita. Last evaluated: 2023-09-01. Review status: criteria provided, single submitter. Criteria: Ambry Variant Classification Scheme 2023. Collection method: clinical testing. Allele origin: germline.
Comment: The p.E1068Q variant (also known as c.3202G>C), located in coding exon 15 of the TERT gene, results from a G to C substitution at nucleotide position 3202. The glutamic acid at codon 1068 is replaced by glutamine, an amino acid with highly similar properties. This amino acid position is conserved. In addition, the in silico prediction for this alteration is inconclusive. Since supporting evidence is limited at this time, the clinical significance of this alteration remains unclear.

Labcorp Genetics (formerly Invitae), Labcorp
Classification: Uncertain significance for Dyskeratosis congenita, autosomal dominant 2; Idiopathic Pulmonary Fibrosis. Last evaluated: 2022-12-31. Review status: criteria provided, single submitter. Criteria: Invitae Variant Classification Sherloc (09022015). Collection method: clinical testing. Allele origin: germline.
Comment: In summary, the available evidence is currently insufficient to determine the role of this variant in disease. Therefore, it has been classified as a Variant of Uncertain Significance. Advanced modeling of protein sequence and biophysical properties (such as structural, functional, and spatial information, amino acid conservation, physicochemical variation, residue mobility, and thermodynamic stability) performed at Invitae indicates that this missense variant is expected to disrupt TERT protein function. This variant has not been reported in the literature in individuals affected with TERT-related conditions. This variant is not present in population databases (gnomAD no frequency). This sequence change replaces glutamic acid, which is acidic and polar, with glutamine, which is neutral and polar, at codon 1068 of the TERT protein (p.Glu1068Gln).

NM_198253.3(TERT):c.3202G>C (p.Glu1068Gln)

Gene: TERT (telomerase reverse transcriptase; minus strand). Cytogenetic location: 5p15.33.
Variant type: single nucleotide variant.
Coding change: c.3202G>C on transcript NM_198253.3 (MANE Select); coding-DNA position 3202, G replaced by C.
Protein change: p.Glu1068Gln; replaces glutamic acid 1068 with glutamine.
Molecular consequence: missense variant. On other transcripts: non-coding transcript variant (2).
Genome position (GRCh38, 1-based): chr5:1,254,461, C>G on the plus strand (G>C on the coding strand, the complement: TERT is on the minus strand). VCF-style: chr5-1254461-C-G. GRCh37 (hg19) VCF-style: chr5-1254576-C-G.
Other names: c.3013G>C, p.Glu1005Gln (NM_001193376.3); c.3202G>C, p.Glu1068Gln (NM_003219.1); short protein forms E1068Q, E1005Q.
Identifiers: ClinVar variation 2942851 (VCV002942851.4), dbSNP rs1747569912, ClinGen allele CA359067437.
Genomic context (GRCh38, chr5:1,254,461, plus strand): 5'-TGACACGGTGTCGAGTCAGCTTGAGCAGGAATGCTTGGTGGCACAGCCACTGCACGGCCT[C>G]GGAGGGCAGAGGGCCGGCGGCGCCCTTGGCCCCCAGCGACATCCCTGGGGGAAAACAGAG-3'
Protein context (NP_937983.2, residues 1058-1078): AKGAAGPLPS[Glu1068Gln]AVQWLCHQAF